The following is an entry in ClinVar:

ClinVar aggregate classification (germline): Uncertain significance (1 of 4 stars; one submission).

Submission:

GeneDx
Classification: Uncertain significance. Last evaluated: 2025-06-29. Review status: criteria provided, single submitter. Criteria: GeneDx Variant Classification Process June 2021. Collection method: clinical testing. Allele origin: germline. Affected: yes.
Comment: Not observed at significant frequency in large population cohorts (gnomAD); In silico analysis supports that this missense variant has a deleterious effect on protein structure/function; Has not been previously published as pathogenic or benign to our knowledge

NM_012199.5(AGO1):c.571G>C (p.Gly191Arg)

Gene: AGO1 (argonaute RISC component 1; plus strand). Cytogenetic location: 1p34.3.
Variant type: single nucleotide variant.
Coding change: c.571G>C on transcript NM_012199.5 (MANE Select); coding-DNA position 571, G replaced by C.
Protein change: p.Gly191Arg; replaces glycine 191 with arginine.
Molecular consequence: missense variant.
Genome position (GRCh38, 1-based): chr1:35,893,732, G>C. VCF-style: chr1-35893732-G-C. GRCh37 (hg19) VCF-style: chr1-36359333-G-C.
Other names: c.571G>C, p.Gly191Arg (NM_001317122.2); c.346G>C, p.Gly116Arg (NM_001317123.2); short protein forms G116R, G191R.
Identifiers: ClinVar variation 4539940 (VCV004539940.1).